The following is an entry in ClinVar:

ClinVar aggregate classification (germline): Pathogenic/Likely pathogenic. Review status: criteria provided, multiple submitters, no conflicts (2 of 4 stars). 13 submissions from 13 submitters: Pathogenic (11); Likely pathogenic (2). Last evaluated 2026-01-16.

Conditions:
Hereditary cancer-predisposing syndrome. Also called: Neoplastic Syndromes, Hereditary; Hereditary neoplastic syndrome; Hereditary Cancer Syndrome; Tumor predisposition. Identifiers: Orphanet 140162, MedGen C0027672, MeSH D009386, MONDO:0015356.
Hereditary breast ovarian cancer syndrome. Also called: Hereditary breast and ovarian cancer syndrome (HBOC); Breast and ovarian cancer; BRCA1- and BRCA2-Associated Hereditary Breast and Ovarian Cancer; Hereditary breast and ovarian cancer syndrome; Hereditary breast and ovarian cancer; Hereditary breast and/or ovarian cancer syndrome. Identifiers: Orphanet 145, MedGen C0677776, MeSH D061325, MONDO:0003582. Disease mechanism: loss of function.
Bloom syndrome (BLM). Also called: Bloom-Torre-Machacek syndrome. Identifiers: Orphanet 125, MedGen C0005859, MONDO:0008876, OMIM 210900.

Submissions (13):

Labcorp Genetics (formerly Invitae), Labcorp
Classification: Pathogenic for Bloom syndrome. Last evaluated: 2026-01-16. Review status: criteria provided, single submitter. Criteria: Invitae Variant Classification Sherloc (09022015). Collection method: clinical testing. Allele origin: germline.
Comment: This sequence change creates a premature translational stop signal (p.Asn515Lysfs*2) in the BLM gene. It is expected to result in an absent or disrupted protein product. Loss-of-function variants in BLM are known to be pathogenic (PMID: 17407155). The frequency data for this variant in the population databases is considered unreliable, as metrics indicate poor data quality at this position in the gnomAD database. This premature translational stop signal has been observed in individual(s) with Bloom syndrome (PMID: 7585968, 17407155). ClinVar contains an entry for this variant (Variation ID: 42064). For these reasons, this variant has been classified as Pathogenic.

Myriad Genetics, Inc.
Classification: Pathogenic for Bloom syndrome. Last evaluated: 2025-12-08. Review status: criteria provided, single submitter. Criteria: Myriad Autosomal Dominant, Autosomal Recessive and X-Linked Classification Criteria (2023). Collection method: clinical testing. Allele origin: unknown.
Comment: This variant is considered pathogenic. This variant creates a frameshift predicted to result in premature protein truncation.

Natera, Inc.
Classification: Pathogenic for Bloom syndrome. Last evaluated: 2025-11-07. Review status: criteria provided, single submitter. Criteria: Natera Variant Classification Schema (03/2026). Collection method: clinical testing. Allele origin: germline.
Comment: The c.1544dupA variant in BLM is a frameshift variant predicted to shift the reading frame beginning at codon 515 and leads to a stop codon 2 codons downstream. This variant is expected to result in nonsense mediated decay, truncation, or a dysfunctional protein product. This variant is rare in the general population with a frequency below the threshold expected for the associated phenotype(s). This variant has been observed in one or more individuals affected with the associated recessive disease, as either homozygous or compound heterozygous with a second variant (PMID: 32458418). Given the available evidence, this variant is classified as Pathogenic.

Laboratorio de Genetica e Diagnostico Molecular, Hospital Israelita Albert Einstein
Classification: Pathogenic for Bloom syndrome. Last evaluated: 2025-01-17. Review status: criteria provided, single submitter. Criteria: ACMG Guidelines, 2015. Collection method: clinical testing. Allele origin: germline. Affected: yes.
Comment: ACMG classification criteria: PVS1 very strong, PM2 supporting, PM3 strong

Baylor Genetics
Classification: Pathogenic for Bloom syndrome. Last evaluated: 2024-02-28. Review status: criteria provided, single submitter. Criteria: ACMG Guidelines, 2015. Collection method: clinical testing. Allele origin: unknown.

Ambry Genetics
Classification: Pathogenic for Hereditary cancer-predisposing syndrome. Last evaluated: 2023-06-30. Review status: criteria provided, single submitter. Criteria: Ambry Variant Classification Scheme 2023. Collection method: clinical testing. Allele origin: germline.
Comment: The c.1544dupA pathogenic mutation, located in coding exon 6 of the BLM gene, results from a duplication of A at nucleotide position 1544, causing a translational frameshift with a predicted alternate stop codon (p.N515Kfs*2). This mutation has been reported in the literature in individuals with Bloom syndrome (Ellis NA et al. Cell 1995 Nov;83(4):655-66; German J et al. Hum. Mutat. 2007 Aug;28(8):743-53). In addition to the clinical data presented in the literature, this alteration is expected to result in loss of function by premature protein truncation or nonsense-mediated mRNA decay. As such, this alteration is interpreted as a disease-causing mutation.

Quest Diagnostics Nichols Institute San Juan Capistrano
Classification: Pathogenic. Last evaluated: 2023-04-26. Review status: criteria provided, single submitter. Criteria: Quest Diagnostics criteria. Collection method: clinical testing. Allele origin: unknown.
Comment: This frameshift variant alters the translational reading frame of the BLM mRNA and causes the premature termination of BLM protein synthesis. The frequency of this variant in the general population, 0.00015 (18/123634 chromosomes), is consistent with pathogenicity. In the published literature, the variant has been reported in individuals with Bloom Syndrome (PMID: 17407155 (2007)). It has also been reported as a somatic variant in an individual with lung cancer (PMID: 35273153 (2022)). Based on the available information, this variant is classified as pathogenic.

GeneDx
Classification: Pathogenic. Last evaluated: 2022-10-11. Review status: criteria provided, single submitter. Criteria: GeneDx Variant Classification Process June 2021. Collection method: clinical testing. Allele origin: germline. Affected: yes.
Comment: Reported as a common pathogenic variant among individuals of Japanese background (German et al., 2007); Frameshift variant predicted to result in protein truncation or nonsense mediated decay in a gene for which loss of function is a known mechanism of disease; Not observed at significant frequency in large population cohorts (gnomAD); This variant is associated with the following publications: (PMID: 26247052, 32566746, 32978145, 34006472, 17407155, 7585968)

Fulgent Genetics
Classification: Likely pathogenic for Bloom syndrome. Last evaluated: 2021-07-27. Review status: criteria provided, single submitter. Criteria: ACMG Guidelines, 2015. Collection method: clinical testing. Allele origin: unknown.

Cancer Genomics Group, Japanese Foundation For Cancer Research
Classification: Likely pathogenic for Hereditary breast and ovarian cancer syndrome. Last evaluated: 2019-05-01. Review status: criteria provided, single submitter. Criteria: ACMG Guidelines, 2015. Collection method: research. Allele origin: germline. Affected: yes.

Women's Health and Genetics/Laboratory Corporation of America, LabCorp
Classification: Pathogenic for Bloom syndrome. Last evaluated: 2018-11-12. Review status: criteria provided, single submitter. Criteria: LabCorp Variant Classification Summary - May 2015. Collection method: clinical testing. Allele origin: germline.
Comment: Variant summary: BLM c.1544dupA (p.Asn515LysfsX2) results in a premature termination codon, predicted to cause a truncation of the encoded protein or absence of the protein due to nonsense mediated decay, which are commonly known mechanisms for disease. Truncations downstream of this position have been classified as pathogenic by our laboratory (eg. c.1642C>T, p.Gln548X; c.2207_2212delinsTAGATTC, p.Tyr736fsX5). The variant was absent in 245606 control chromosomes (gnomAD). c.1544dupA has been reported in the literature in multiple individuals affected with Bloom Syndrome and indicated to be a Japanese founder mutation (Ellis_1995, German_2007). These data indicate that the variant is very likely to be associated with disease. To our knowledge, no experimental evidence demonstrating an impact on protein function has been reported. A ClinVar submission from a clinical diagnostic laboratory (evaluation after 2014) cites the variant as pathogenic. Based on the evidence outlined above, the variant was classified as pathogenic.

Juno Genomics, Hangzhou Juno Genomics, Inc
Classification: Pathogenic for Bloom syndrome. Review status: criteria provided, single submitter. Criteria: ACMG Guidelines, 2015. Collection method: clinical testing. Allele origin: germline.
Comment: Absent from controls (or at extremely low frequency if recessive) in Genome Aggregation Database.;Null variant in a gene where loss of function (LOF) is a known mechanism of disease.;For recessive disorders, detected in trans with a pathogenic variant.

Neuberg Centre For Genomic Medicine, NCGM
Classification: Pathogenic for Bloom syndrome. Review status: criteria provided, single submitter. Criteria: ACMG Guidelines, 2015. Collection method: clinical testing. Allele origin: germline. Inheritance: Autosomal recessive inheritance. Affected: yes.
Comment: The observed frameshift c.1544dup (p.Asn515LysfsTer2) variant in BLM gene has been previously reported in homozygous and heterozygous states in multiple individuals affected with Bloom syndrome (German J, et al., 2007). The p.Asn515LysfsTer2 variant has been reported with allele frequency of 0.009% in gnomAD Exomes. This variant has been submitted to the ClinVar database as Likely Pathogenic / Pathogenic (multiple submissions). This variant causes a frameshift starting with codon Asparagine 515, changes this amino acid to Lysine residue, and creates a premature Stop codon at position 2 of the new reading frame, denoted p.Asn515LysfsTer2. This variant is predicted to cause loss of normal protein function through protein truncation. Loss of function variants have been previously reported to be disease causing. For these reasons, this variant has been classified as Pathogenic.

Literature cited by the submitters: PubMed 17407155 (cited by 3 submitters); PubMed 7585968 (cited by Labcorp Genetics (formerly Invitae), Labcorp and Women's Health and Genetics/Laboratory Corporation of America, LabCorp); PubMed 32458418 (cited by Natera, Inc.); PubMed 35314707 (cited by Quest Diagnostics Nichols Institute San Juan Capistrano); PubMed 35273153 (cited by Quest Diagnostics Nichols Institute San Juan Capistrano).

NM_000057.4(BLM):c.1544dup (p.Asn515fs)

Gene: BLM (BLM RecQ like helicase; plus strand). Cytogenetic location: 15q26.1.
Variant type: Duplication.
Coding change: c.1544dup on transcript NM_000057.4 (MANE Select); coding-DNA position 1544, one base duplicated (A; older notation c.1544dupA).
Protein change: p.Asn515fs; shifts the reading frame from asparagine 515.
Molecular consequence: frameshift variant.
Genome position (GRCh38, 1-based): chr15:90,760,917, A duplicated; the last of 9 consecutive A bases (chr15:90,760,909-90,760,917); duplicating any one gives the same sequence. VCF-style (leftmost placement, unchanged base first): chr15-90760908-G-GA. GRCh37 (hg19) VCF-style: chr15-91304138-G-GA.
Other names: c.1544dup (LRG_20t1, NM_000057.3, NM_000057.2); c.1544dup, p.Asn515fs (NM_001287246.2, NM_001287247.2); c.419dup, p.Asn140fs (NM_001287248.2); c.1544dupA (NM_000057.2); short protein forms N515fs, N140fs.
Identifiers: ClinVar variation 42064 (VCV000042064.31), dbSNP rs367543043, ClinGen allele CA344497.